The following is an entry in ClinVar:

NM_144687.4(NLRP12):c.1984G>C (p.Val662Leu)

Gene: NLRP12 (NLR family pyrin domain containing 12; minus strand). Cytogenetic location: 19q13.42.
Variant type: single nucleotide variant.
Coding change: c.1984G>C on transcript NM_144687.4 (MANE Select); coding-DNA position 1984, G replaced by C.
Protein change: p.Val662Leu; replaces valine 662 with leucine.
Molecular consequence: missense variant.
Genome position (GRCh38, 1-based): chr19:53,809,675, C>G on the plus strand (G>C on the coding strand, the complement: NLRP12 is on the minus strand). VCF-style: chr19-53809675-C-G. GRCh37 (hg19) VCF-style: chr19-54312929-C-G.
Other names: c.1984G>C, p.Val662Leu (NM_001277126.2, NM_001277129.1); short protein forms V662L.
Identifiers: ClinVar variation 4708610 (VCV004708610.1).
Genomic context (GRCh38, chr19:53,809,675, plus strand): 5'-CGGAGCACCTCGCGCGGTCTTCCCCGTCCGCGCTGTAGGTGGCGCCATACAAGTGCAGCA[C>G]CTGGGCGCTCCTGCAGCGCTTCAGACAGAACGAGGAGACCATGTGCTCCATCTTGGAGGC-3'
Protein context (NP_653288.1, residues 652-672): FCLKRCRSAQ[Val662Leu]LHLYGATYSA

ClinVar aggregate classification (germline): Uncertain significance (1 of 4 stars; one submission).

Conditions:
Familial cold autoinflammatory syndrome 2 (FCAS2). Identifiers: Orphanet 247868, MedGen C2673198, MONDO:0012724, OMIM 611762.

gnomAD v4.1: 3 of 1,613,948 alleles (0.00019%); highest among the groups gnomAD compares: Non-Finnish European, 0.00025%; no homozygotes.

Submission:

Labcorp Genetics (formerly Invitae), Labcorp
Classification: Uncertain significance for Familial cold autoinflammatory syndrome 2. Last evaluated: 2025-06-04. Review status: criteria provided, single submitter. Criteria: Invitae Variant Classification Sherloc (09022015). Collection method: clinical testing. Allele origin: germline.
Comment: This sequence change replaces valine, which is neutral and non-polar, with leucine, which is neutral and non-polar, at codon 662 of the NLRP12 protein (p.Val662Leu). This variant is not present in population databases (gnomAD no frequency). This variant has not been reported in the literature in individuals affected with NLRP12-related conditions. Invitae Evidence Modeling of protein sequence and biophysical properties (such as structural, functional, and spatial information, amino acid conservation, physicochemical variation, residue mobility, and thermodynamic stability) has been performed for this missense variant. However, the output from this modeling did not meet the statistical confidence thresholds required to predict the impact of this variant on NLRP12 protein function. In summary, the available evidence is currently insufficient to determine the role of this variant in disease. Therefore, it has been classified as a Variant of Uncertain Significance.